The following is an entry in ClinVar:

ClinVar aggregate classification (germline): Uncertain significance (0 of 4 stars; one submission).

Submission:

Richard Lifton Laboratory, Yale University School of Medicine
Classification: Uncertain significance. Review status: no assertion criteria provided. Collection method: not provided. Allele origin: somatic.
Comment: PAQR3
ClinVar note: Converted during submission from unknown to Uncertain significance.

NM_001040202.2(PAQR3):c.650C>G (p.Pro217Arg)

Gene: PAQR3 (progestin and adipoQ receptor family member 3; minus strand). Cytogenetic location: 4q21.21.
Variant type: single nucleotide variant.
Coding change: c.650C>G on transcript NM_001040202.2 (MANE Select); coding-DNA position 650, C replaced by G.
Protein change: p.Pro217Arg; replaces proline 217 with arginine.
Molecular consequence: missense variant. On other transcripts: non-coding transcript variant (4).
Genome position (GRCh38, 1-based): chr4:78,926,573, G>C on the plus strand (C>G on the coding strand, the complement: PAQR3 is on the minus strand). VCF-style: chr4-78926573-G-C. GRCh37 (hg19) VCF-style: chr4-79847727-G-C.
Other names: c.296C>G, p.Pro99Arg (NM_001350105.2, NM_001350106.2); short protein forms P217R, P99R.
Identifiers: ClinVar variation 91926 (VCV000091926.2), dbSNP rs386352343, ClinGen allele CA232175.